The following is an entry in ClinVar:

NM_001128228.3(TPRN):c.1580G>A (p.Arg527Gln)

Gene: TPRN (taperin; minus strand). Cytogenetic location: 9q34.3.
Variant type: single nucleotide variant.
Coding change: c.1580G>A on transcript NM_001128228.3 (MANE Select); coding-DNA position 1580, G replaced by A.
Protein change: p.Arg527Gln; replaces arginine 527 with glutamine.
Molecular consequence: missense variant.
Genome position (GRCh38, 1-based): chr9:137,199,132, C>T on the plus strand (G>A on the coding strand, the complement: TPRN is on the minus strand). VCF-style: chr9-137199132-C-T. GRCh37 (hg19) VCF-style: chr9-140093584-C-T.
Other names: short protein forms R527Q.
Identifiers: ClinVar variation 3328339 (VCV003328339.2).

ClinVar aggregate classification (germline): Conflicting classifications of pathogenicity. Review status: criteria provided, conflicting classifications (1 of 4 stars). 2 submissions from 2 submitters: Uncertain significance (1); Likely benign (1). Last evaluated 2024-10-07.

Conditions:
Inborn genetic diseases. Identifiers: MedGen C0950123, MeSH D030342.

gnomAD v4.1: 18 of 1,613,116 alleles (0.0011%); highest among the groups gnomAD compares: Middle Eastern, 0.016%; no homozygotes.

Submissions (2):

GeneDx
Classification: Uncertain significance. Last evaluated: 2024-10-07. Review status: criteria provided, single submitter. Criteria: GeneDx Variant Classification Process June 2021. Collection method: clinical testing. Allele origin: germline. Affected: yes.
Comment: In silico analysis indicates that this missense variant does not alter protein structure/function; Has not been previously published as pathogenic or benign to our knowledge

Ambry Genetics
Classification: Likely benign for Inborn genetic diseases. Last evaluated: 2024-06-05. Review status: criteria provided, single submitter. Criteria: Ambry Variant Classification Scheme 2023. Collection method: clinical testing. Allele origin: germline.